The following is an entry in ClinVar:

NM_001170629.2(CHD8):c.5195A>G (p.Gln1732Arg)

Gene: CHD8 (chromodomain helicase DNA binding protein 8; minus strand). Cytogenetic location: 14q11.2.
Variant type: single nucleotide variant.
Coding change: c.5195A>G on transcript NM_001170629.2 (MANE Select); coding-DNA position 5195, A replaced by G.
Protein change: p.Gln1732Arg; replaces glutamine 1732 with arginine.
Molecular consequence: missense variant.
Genome position (GRCh38, 1-based): chr14:21,395,107, T>C on the plus strand (A>G on the coding strand, the complement: CHD8 is on the minus strand). VCF-style: chr14-21395107-T-C. GRCh37 (hg19) VCF-style: chr14-21863266-T-C.
Other names: c.4358A>G, p.Gln1453Arg (NM_020920.4); short protein forms Q1453R, Q1732R.
Identifiers: ClinVar variation 589728 (VCV000589728.79), dbSNP rs201074234, ClinGen allele CA7091005.

ClinVar aggregate classification (germline): Benign/Likely benign. Review status: criteria provided, multiple submitters, no conflicts (2 of 4 stars). 6 submissions from 6 submitters: Benign (1); Likely benign (4). 1 of the submissions does not count toward it. Last evaluated 2026-09-01.

Conditions:
CHD8-related disorder. Also called: CHD8-related disorders; CHD8-related condition.
Inborn genetic diseases. Identifiers: MedGen C0950123, MeSH D030342.

Allele frequency attached by ClinVar (database versions not stated): gnomAD exomes 0.00140 and 0.00069; 1000 Genomes Project 30x 0.00047; 1000 Genomes Project 0.00060; ExAC 0.00076; TOPMed 0.00077; ESP Exome Variant Server 0.00083; gnomAD 0.00086 and 0.00091.
gnomAD v4.1: 2,164 of 1,613,642 alleles (0.13%); highest among the groups gnomAD compares: Non-Finnish European, 0.17%; 2 homozygotes.

Submissions (6):

CeGaT Center for Human Genetics Tuebingen
Classification: Likely benign. Last evaluated: 2026-09-01. Review status: criteria provided, single submitter. Criteria: CeGaT Center For Human Genetics Tuebingen Variant Classification Criteria Version 2. Collection method: clinical testing. Allele origin: germline. Affected: yes. Observed: 5 variant alleles.
Comment: CHD8: BS1

Labcorp Genetics (formerly Invitae), Labcorp
Classification: Likely benign. Last evaluated: 2026-01-05. Review status: criteria provided, single submitter. Criteria: Invitae Variant Classification Sherloc (09022015). Collection method: clinical testing. Allele origin: germline.

Blueprint Genetics
Classification: Likely benign. Last evaluated: 2024-11-15. Review status: criteria provided, single submitter. Criteria: ACMG Guidelines, 2015. Collection method: clinical testing. Allele origin: germline.

Ambry Genetics
Classification: Likely benign for Inborn genetic diseases. Last evaluated: 2023-11-09. Review status: criteria provided, single submitter. Criteria: Ambry Variant Classification Scheme 2023. Collection method: clinical testing. Allele origin: germline.

GeneDx
Classification: Benign. Last evaluated: 2020-01-30. Review status: criteria provided, single submitter. Criteria: GeneDx Variant Classification Process June 2021. Collection method: clinical testing. Allele origin: germline. Affected: yes.

PreventionGenetics, part of Exact Sciences
Classification: Likely benign for CHD8-related condition. Last evaluated: 2020-12-23. Review status: no assertion criteria provided. Collection method: clinical testing. Allele origin: germline. Not counted in ClinVar's aggregate classification.
Comment: This variant is classified as likely benign based on ACMG/AMP sequence variant interpretation guidelines (Richards et al. 2015 PMID: 25741868, with internal and published modifications).